The following is an entry in ClinVar:

NM_007194.4(CHEK2):c.870del (p.Phe292fs)

Gene: CHEK2 (checkpoint kinase 2; minus strand). Cytogenetic location: 22q12.1.
Variant type: Deletion.
Coding change: c.870del on transcript NM_007194.4 (MANE Select); coding-DNA position 870, one base deleted (C; older notation c.870delC).
Protein change: p.Phe292fs; shifts the reading frame from phenylalanine 292.
Molecular consequence: frameshift variant.
Genome position (GRCh38, 1-based): chr22:28,703,543, G deleted on the plus strand (C on the coding strand, the reverse complement: CHEK2 is on the minus strand). VCF-style (leftmost placement, unchanged base first): chr22-28703542-AG-A. GRCh37 (hg19) VCF-style: chr22-29099530-AG-A.
Other names: c.870delC (NM_007194.3); c.999delC, p.Phe335Leufs (NM_001005735.3); c.207delC, p.Phe71Leufs (NM_001257387.3); c.669delC, p.Phe225Leufs (NM_001349956.3); c.870delC, p.Phe292Leufs (NM_145862.3); short protein forms F225fs, F292fs, F71fs, F335fs.
Identifiers: ClinVar variation 460863 (VCV000460863.11), dbSNP rs1555916987, ClinGen allele CA658656848.
Genomic context (GRCh38, chr22:28,703,542, plus strand): 5'-TTTTTAAAAAGTTTACTACTTACAATTCCAAAACAATATAATAATCTTCTGCATCAAAAA[AG>A]TTTTTAATCTTGATGATGCAAGGCTAAGAAGAGGGGGAGAAAAAAGGGAAAGTAGTGAGA-3'

ClinVar aggregate classification (germline): Pathogenic. Review status: criteria provided, multiple submitters, no conflicts (2 of 4 stars). 3 submissions from 3 submitters: Pathogenic (3). Last evaluated 2025-06-11.

Conditions:
Hereditary cancer-predisposing syndrome. Also called: Neoplastic Syndromes, Hereditary; Hereditary Cancer Syndrome; Hereditary neoplastic syndrome; Tumor predisposition. Identifiers: Orphanet 140162, MedGen C0027672, MeSH D009386, MONDO:0015356.
Familial cancer of breast. Also called: BREAST CANCER, FAMILIAL; Hereditary breast cancer; hereditary breast carcinoma. Identifiers: Orphanet 227535, MedGen C0346153, MONDO:0016419, OMIM 114480. Disease mechanism: loss of function.

Submissions (3):

Myriad Genetics, Inc.
Classification: Pathogenic for Familial cancer of breast. Last evaluated: 2025-06-11. Review status: criteria provided, single submitter. Criteria: Myriad Autosomal Dominant, Autosomal Recessive and X-Linked Classification Criteria (2023). Collection method: clinical testing. Allele origin: unknown.
Comment: This variant is considered pathogenic. This variant creates a frameshift predicted to result in premature protein truncation.

Color Diagnostics, LLC DBA Color Health
Classification: Pathogenic for Hereditary cancer-predisposing syndrome. Last evaluated: 2023-05-30. Review status: criteria provided, single submitter. Criteria: ACMG Guidelines, 2015. Collection method: clinical testing. Allele origin: germline.
Comment: This variant deletes 1 nucleotide in exon 8 of the CHEK2 gene, creating a frameshift and premature translation stop signal. This variant is expected to result in an absent or non-functional protein product. To our knowledge, this variant has not been reported in individuals affected with CHEK2-related disorders in the literature. This variant has not been identified in the general population by the Genome Aggregation Database (gnomAD). Loss of CHEK2 function is a known mechanism of disease. Based on the available evidence, this variant is classified as Pathogenic.

Labcorp Genetics (formerly Invitae), Labcorp
Classification: Pathogenic for Familial cancer of breast. Last evaluated: 2021-07-08. Review status: criteria provided, single submitter. Criteria: Invitae Variant Classification Sherloc (09022015). Collection method: clinical testing. Allele origin: germline.
Comment: This sequence change creates a premature translational stop signal (p.Phe292Leufs*12) in the CHEK2 gene. It is expected to result in an absent or disrupted protein product. Loss-of-function variants in CHEK2 are known to be pathogenic (PMID: 21876083, 24713400). This variant is not present in population databases (ExAC no frequency). This variant has not been reported in the literature in individuals affected with CHEK2-related conditions. ClinVar contains an entry for this variant (Variation ID: 460863). For these reasons, this variant has been classified as Pathogenic.

Literature cited by the submitters: PubMed 21876083 (cited by Labcorp Genetics (formerly Invitae), Labcorp); PubMed 24713400 (cited by Labcorp Genetics (formerly Invitae), Labcorp).